The following is an entry in ClinVar:

ClinVar aggregate classification (germline): Conflicting classifications of pathogenicity. Review status: criteria provided, conflicting classifications (1 of 4 stars). 2 submissions from 2 submitters: Uncertain significance (1); Likely benign (1). Last evaluated 2026-07-13.

Conditions:
Hereditary cancer-predisposing syndrome. Also called: Tumor predisposition; Hereditary neoplastic syndrome; Neoplastic Syndromes, Hereditary; Hereditary Cancer Syndrome. Identifiers: Orphanet 140162, MedGen C0027672, MeSH D009386, MONDO:0015356.
Tuberous sclerosis 2 (TSC2). Identifiers: Orphanet 805, MedGen C1860707, MONDO:0013199, OMIM 613254.

gnomAD v4.1: 3 of 1,612,738 alleles (0.00019%); highest among the groups gnomAD compares: East Asian, 0.0045%; no homozygotes.

Submissions (2):

Ambry Genetics
Classification: Uncertain significance for Hereditary cancer-predisposing syndrome. Last evaluated: 2026-07-13. Review status: criteria provided, single submitter. Criteria: Ambry Variant Classification Scheme 2023. Collection method: clinical testing. Allele origin: germline.
Comment: The p.F1574L variant (also known as c.4722C>G), located in coding exon 36 of the TSC2 gene, results from a C to G substitution at nucleotide position 4722. The phenylalanine at codon 1574 is replaced by leucine, an amino acid with highly similar properties. This amino acid position is highly conserved in available vertebrate species. In addition, this alteration is predicted to be deleterious by in silico analysis. Since supporting evidence is limited at this time, the clinical significance of this alteration remains unclear.

Labcorp Genetics (formerly Invitae), Labcorp
Classification: Likely benign for Tuberous sclerosis 2. Last evaluated: 2024-04-22. Review status: criteria provided, single submitter. Criteria: Invitae Variant Classification Sherloc (09022015). Collection method: clinical testing. Allele origin: germline.

NM_000548.5(TSC2):c.4722C>G (p.Phe1574Leu)

Gene: TSC2 (TSC complex subunit 2; plus strand). Cytogenetic location: 16p13.3.
Variant type: single nucleotide variant.
Coding change: c.4722C>G on transcript NM_000548.5 (MANE Select); coding-DNA position 4722, C replaced by G.
Protein change: p.Phe1574Leu; replaces phenylalanine 1574 with leucine.
Molecular consequence: missense variant.
Genome position (GRCh38, 1-based): chr16:2,086,252, C>G. VCF-style: chr16-2086252-C-G. GRCh37 (hg19) VCF-style: chr16-2136253-C-G.
Other names: c.4521C>G, p.Phe1507Leu (NM_001077183.3); c.4653C>G, p.Phe1551Leu (NM_001114382.3); c.4413C>G, p.Phe1471Leu (NM_001318827.2); c.4377C>G, p.Phe1459Leu (NM_001318829.2); c.3990C>G, p.Phe1330Leu (NM_001318831.2); c.4554C>G, p.Phe1518Leu (NM_001318832.2); c.4524C>G, p.Phe1508Leu (NM_001363528.2); c.4590C>G, p.Phe1530Leu (NM_001370404.1); and 1 more; short protein forms F1508L, F1530L, F1330L, F1531L, F1551L, F1574L, F1471L, F1459L.
Identifiers: ClinVar variation 858829 (VCV000858829.13), dbSNP rs565576095, ClinGen allele CA394307501.